The following is an entry in ClinVar:

NM_006439.5(MAB21L2):c.498T>G (p.Tyr166Ter)

Genes: LRBA (LPS responsive beige-like anchor protein; minus strand), MAB21L2 (mab-21 like 2; plus strand). Cytogenetic location: 4q31.3.
Variant type: single nucleotide variant.
Coding change: c.498T>G on transcript NM_006439.5 (MANE Select); coding-DNA position 498, T replaced by G.
Protein change: p.Tyr166Ter; replaces tyrosine 166 with a stop codon.
Molecular consequence: nonsense. On other transcripts: intron variant (6).
Genome position (GRCh38, 1-based): chr4:150,583,527, T>G. VCF-style: chr4-150583527-T-G. GRCh37 (hg19) VCF-style: chr4-151504679-T-G.
Other names: c.6330+4521A>C (NM_001367550.1, NM_001199282.3, NM_001364905.1 and 1 more transcripts); c.6363+4521A>C (NM_006726.5, NM_001440430.1); short protein forms Y166*.
Identifiers: ClinVar variation 3027346 (VCV003027346.23), dbSNP rs1028628066, ClinGen allele CA358603178.

ClinVar aggregate classification (germline): Conflicting classifications of pathogenicity. Review status: criteria provided, conflicting classifications (1 of 4 stars). 2 submissions from 2 submitters: Likely pathogenic (1); Uncertain significance (1). Last evaluated 2024-02-01.

Conditions:
Colobomatous microphthalmia-rhizomelic dysplasia syndrome (MCSKS). Also called: Microphthalmia/coloboma and skeletal dysplasia syndrome. Identifiers: Orphanet 424099, MedGen C4014540, MONDO:0014380, OMIM 615877.

Submissions (2):

CeGaT Center for Human Genetics Tuebingen
Classification: Likely pathogenic. Last evaluated: 2024-02-01. Review status: criteria provided, single submitter. Criteria: CeGaT Center For Human Genetics Tuebingen Variant Classification Criteria Version 2. Collection method: clinical testing. Allele origin: germline. Affected: yes. Observed: 1 variant allele.
Comment: MAB21L2: PVS1:Strong, PM2

Laboratoire Génétique Moléculaire, CHRU TOURS
Classification: Uncertain significance for Colobomatous microphthalmia-rhizomelic dysplasia syndrome. Last evaluated: 2023-06-21. Review status: criteria provided, single submitter. Criteria: ACMG Guidelines, 2015. Collection method: clinical testing. Allele origin: paternal.
Comment: PM2